The following is an entry in ClinVar:

NM_001253697.2(ERBIN):c.2603T>C (p.Val868Ala)

Gene: ERBIN (erbb2 interacting protein; plus strand). Cytogenetic location: 5q12.3.
Variant type: single nucleotide variant.
Coding change: c.2603T>C on transcript NM_001253697.2 (MANE Select); coding-DNA position 2603, T replaced by C.
Protein change: p.Val868Ala; replaces valine 868 with alanine.
Molecular consequence: missense variant.
Genome position (GRCh38, 1-based): chr5:66,053,921, T>C. VCF-style: chr5-66053921-T-C. GRCh37 (hg19) VCF-style: chr5-65349749-T-C.
Other names: c.2603T>C, p.Val868Ala (NM_001006600.3, NM_001253698.2, NM_001253699.2 and 1 more transcripts); c.2591T>C, p.Val864Ala (NM_001253701.2); short protein forms V864A, V868A.
Identifiers: ClinVar variation 4716254 (VCV004716254.1).

ClinVar aggregate classification (germline): Uncertain significance (1 of 4 stars; one submission).

gnomAD v4.1: 1 of 1,614,182 alleles (0.000062%); highest among the groups gnomAD compares: Non-Finnish European, 0.000085%; no homozygotes.

Submission:

Labcorp Genetics (formerly Invitae), Labcorp
Classification: Uncertain significance. Last evaluated: 2025-04-09. Review status: criteria provided, single submitter. Criteria: Invitae Variant Classification Sherloc (09022015). Collection method: clinical testing. Allele origin: germline.
Comment: This sequence change replaces valine, which is neutral and non-polar, with alanine, which is neutral and non-polar, at codon 868 of the ERBIN protein (p.Val868Ala). This variant is not present in population databases (gnomAD no frequency). This variant has not been reported in the literature in individuals affected with ERBIN-related conditions. An algorithm developed to predict the effect of missense changes on protein structure and function (PolyPhen-2) suggests that this variant is likely to be tolerated. In summary, the available evidence is currently insufficient to determine the role of this variant in disease. Therefore, it has been classified as a Variant of Uncertain Significance.